The following is an entry in ClinVar:

NM_001379500.1(COL18A1):c.2563G>C (p.Val855Leu)

Gene: COL18A1 (collagen type XVIII alpha 1 chain; plus strand). Cytogenetic location: 21q22.3.
Variant type: single nucleotide variant.
Coding change: c.2563G>C on transcript NM_001379500.1 (MANE Select); coding-DNA position 2563, G replaced by C.
Protein change: p.Val855Leu; replaces valine 855 with leucine.
Molecular consequence: missense variant.
Genome position (GRCh38, 1-based): chr21:45,496,554, G>C. VCF-style: chr21-45496554-G-C. GRCh37 (hg19) VCF-style: chr21-46916468-G-C.
Other names: c.3103G>C, p.Val1035Leu (NM_030582.4); c.3808G>C, p.Val1270Leu (NM_130444.3); short protein forms V1035L, V855L, V1270L.
Identifiers: ClinVar variation 1358033 (VCV001358033.6), dbSNP rs780665070, ClinGen allele CA410497998.

ClinVar aggregate classification (germline): Uncertain significance (1 of 4 stars; one submission).

Allele frequency attached by ClinVar (database versions not stated): TOPMed below 0.00001; gnomAD 0.00001.
gnomAD v4.1: 4 of 1,501,366 alleles (0.00027%); highest among the groups gnomAD compares: African/African-American, 0.0027%; no homozygotes.

Submission:

Labcorp Genetics (formerly Invitae), Labcorp
Classification: Uncertain significance. Last evaluated: 2021-10-09. Review status: criteria provided, single submitter. Criteria: Invitae Variant Classification Sherloc (09022015). Collection method: clinical testing. Allele origin: germline.
Comment: This sequence change replaces valine with leucine at codon 855 of the COL18A1 protein (p.Val855Leu). There is a small physicochemical difference between valine and leucine. This variant is not present in population databases (ExAC no frequency). This variant has not been reported in the literature in individuals affected with COL18A1-related conditions. Experimental studies and prediction algorithms are not available or were not evaluated, and the functional significance of this variant is currently unknown. In summary, the available evidence is currently insufficient to determine the role of this variant in disease. Therefore, it has been classified as a Variant of Uncertain Significance.